The following is an entry in ClinVar:

NM_001374736.1(DST):c.5230C>A (p.Leu1744Met)

Gene: DST (dystonin; minus strand). Cytogenetic location: 6p12.1.
Variant type: single nucleotide variant.
Coding change: c.5230C>A on transcript NM_001374736.1 (MANE Select); coding-DNA position 5230, C replaced by A.
Protein change: p.Leu1744Met; replaces leucine 1744 with methionine.
Molecular consequence: missense variant.
Genome position (GRCh38, 1-based): chr6:56,610,480, G>T on the plus strand (C>A on the coding strand, the complement: DST is on the minus strand). VCF-style: chr6-56610480-G-T. GRCh37 (hg19) VCF-style: chr6-56475278-G-T.
Other names: c.5131C>A, p.Leu1711Met (NM_001144769.5); c.4717C>A, p.Leu1573Met (NM_001144770.2); c.5230C>A, p.Leu1744Met (NM_001374722.1); c.4597C>A, p.Leu1533Met (NM_001374729.1, NM_001374730.1, NM_001386100.1 and 1 more transcripts); c.5257C>A, p.Leu1753Met (NM_001374734.1); c.3619C>A, p.Leu1207Met (NM_015548.5); short protein forms L1207M, L1533M, L1573M, L1711M, L1744M, L1753M.
Identifiers: ClinVar variation 1057943 (VCV001057943.9), dbSNP rs75752366, ClinGen allele CA3869770.
Genomic context (GRCh38, chr6:56,610,480, plus strand): 5'-ATATTACCTTCTCCTCTACCTTTACATCTCCTGAGGTTTGTGATTCTTGTAGCTGTTTCA[G>T]AGATTCACTGAATAATAAATTATAACTTTCCTGAAGAGTTTTCACTTGTTTTTCCAATTC-3'
Protein context (NP_001361665.1, residues 1734-1754): ESYNLLFSES[Leu1744Met]KQLQESQTSG

ClinVar aggregate classification (germline): Conflicting classifications of pathogenicity. Review status: criteria provided, conflicting classifications (1 of 4 stars). 3 submissions from 3 submitters: Uncertain significance (2); Likely benign (1). Last evaluated 2025-05-01.

Conditions:
Inborn genetic diseases. Identifiers: MedGen C0950123, MeSH D030342.
DST-related disorder. Also called: DST-related condition; DST-related disorders.
Hereditary sensory and autonomic neuropathy type 6. Also called: HSAN VI; Neuropathy, hereditary sensory and autonomic, type VI. Identifiers: Orphanet 314381, MedGen C3539003, MONDO:0013839, OMIM 614653.
Epidermolysis bullosa simplex 3, localized or generalized intermediate, with BP230 deficiency (EBS3). Also called: Epidermolysis bullosa simplex, autosomal recessive 2; Epidermolysis bullosa simplex due to BP230 deficiency. Identifiers: Orphanet 412181, MedGen C3809470, MONDO:0014180, OMIM 615425.

Allele frequency attached by ClinVar (database versions not stated): gnomAD exomes 0.00005 and 0.00012; ExAC 0.00026; 1000 Genomes Project 30x 0.00031; 1000 Genomes Project 0.00040; gnomAD 0.00043 and 0.00046; TOPMed 0.00048; ESP Exome Variant Server 0.00051.
gnomAD v4.1: 138 of 1,568,100 alleles (0.0088%); highest among the groups gnomAD compares: African/African-American, 0.18%; no homozygotes.

Submissions (3):

PreventionGenetics, part of Exact Sciences
Classification: Likely benign for DST-related condition. Last evaluated: 2025-05-01. Review status: criteria provided, single submitter. Criteria: ACMG Guidelines, 2015. Collection method: clinical testing. Allele origin: germline.
Comment: This variant is classified as likely benign based on ACMG/AMP sequence variant interpretation guidelines (Richards et al. 2015 PMID: 25741868, with internal and published modifications).

Labcorp Genetics (formerly Invitae), Labcorp
Classification: Uncertain significance for Epidermolysis bullosa simplex 3, localized or generalized intermediate, with BP230 deficiency; Hereditary sensory and autonomic neuropathy type 6. Last evaluated: 2022-09-07. Review status: criteria provided, single submitter. Criteria: Invitae Variant Classification Sherloc (09022015). Collection method: clinical testing. Allele origin: germline.
Comment: The DST gene has multiple clinically relevant transcripts. This variant occurs in alternate transcript NM_015548.4, and corresponds to NM_001723.5:c.*5037C>A in the primary transcript. This sequence change replaces leucine, which is neutral and non-polar, with methionine, which is neutral and non-polar, at codon 1207 of the DST protein (p.Leu1207Met). This variant is present in population databases (rs75752366, gnomAD 0.2%). This variant has not been reported in the literature in individuals affected with DST-related conditions. Experimental studies and prediction algorithms are not available or were not evaluated, and the functional significance of this variant is currently unknown. In summary, the available evidence is currently insufficient to determine the role of this variant in disease. Therefore, it has been classified as a Variant of Uncertain Significance.

Ambry Genetics
Classification: Uncertain significance for Inborn genetic diseases. Last evaluated: 2022-04-28. Review status: criteria provided, single submitter. Criteria: Ambry Variant Classification Scheme 2023. Collection method: clinical testing. Allele origin: germline.
Comment: The p.L1711M variant (also known as c.5131C>A), located in coding exon 38 of the DST gene, results from a C to A substitution at nucleotide position 5131. The leucine at codon 1711 is replaced by methionine, an amino acid with highly similar properties. This amino acid position is highly conserved in available vertebrate species. In addition, this alteration is predicted to be tolerated by in silico analysis. Since supporting evidence is limited at this time, the clinical significance of this alteration remains unclear.